The following is an entry in ClinVar:

NM_182760.4(SUMF1):c.493C>A (p.Gln165Lys)

Gene: SUMF1 (sulfatase modifying factor 1; minus strand). Cytogenetic location: 3p26.1.
Variant type: single nucleotide variant.
Coding change: c.493C>A on transcript NM_182760.4 (MANE Select); coding-DNA position 493, C replaced by A.
Protein change: p.Gln165Lys; replaces glutamine 165 with lysine.
Molecular consequence: missense variant. On other transcripts: intron variant (1).
Genome position (GRCh38, 1-based): chr3:4,449,292, G>T on the plus strand (C>A on the coding strand, the complement: SUMF1 is on the minus strand). VCF-style: chr3-4449292-G-T. GRCh37 (hg19) VCF-style: chr3-4490976-G-T.
Other names: c.493C>A, p.Gln165Lys (NM_001164675.2); c.444+3584C>A (NM_001164674.2); short protein forms Q165K.
Identifiers: ClinVar variation 2063580 (VCV002063580.1), dbSNP rs2469991743, ClinGen allele CA351792945.
Genomic context (GRCh38, chr3:4,449,292, plus strand): 5'-GAGAAATACAGGAGCCTGTTGAAACATTACTTACTGCCTGTTGAATATTGGTCTTCACTT[G>T]CTCACTCAACATGCCTTCAAAGACAAAGGAGTCGCCAAACTTCTCAGCCTATAAGGAAGG-3'
Protein context (NP_877437.2, residues 155-175): SFVFEGMLSE[Gln165Lys]VKTNIQQAVA

ClinVar aggregate classification (germline): Uncertain significance (1 of 4 stars; one submission).

Conditions:
Multiple sulfatase deficiency (MSD). Also called: Mucosulfatidosis; Multiple Sulfatase Deficiency Disease; Sulfatidosis, Juvenile, Austin Type. Identifiers: Orphanet 585, MedGen C0268263, MONDO:0010088, OMIM 272200.

Submission:

Labcorp Genetics (formerly Invitae), Labcorp
Classification: Uncertain significance for Multiple sulfatase deficiency. Last evaluated: 2022-07-05. Review status: criteria provided, single submitter. Criteria: Invitae Variant Classification Sherloc (09022015). Collection method: clinical testing. Allele origin: germline.
Comment: This sequence change replaces glutamine, which is neutral and polar, with lysine, which is basic and polar, at codon 165 of the SUMF1 protein (p.Gln165Lys). This variant is not present in population databases (gnomAD no frequency). This variant has not been reported in the literature in individuals affected with SUMF1-related conditions. Algorithms developed to predict the effect of missense changes on protein structure and function (SIFT, PolyPhen-2, Align-GVGD) all suggest that this variant is likely to be tolerated. In summary, the available evidence is currently insufficient to determine the role of this variant in disease. Therefore, it has been classified as a Variant of Uncertain Significance.